The following is an entry in ClinVar:

ClinVar aggregate classification (germline): Uncertain significance (1 of 4 stars; one submission).

Allele frequency attached by ClinVar (database versions not stated): ExAC 0.00001; gnomAD exomes 0.00001; TOPMed 0.00002; gnomAD 0.00004.
gnomAD v4.1: 22 of 1,610,826 alleles (0.0014%); highest among the groups gnomAD compares: South Asian, 0.0055%; no homozygotes.

Submission:

GeneDx
Classification: Uncertain significance. Last evaluated: 2026-01-24. Review status: criteria provided, single submitter. Criteria: GeneDx Variant Classification Process June 2021. Collection method: clinical testing. Allele origin: germline. Affected: yes.
Comment: In silico analysis supports that this missense variant has a deleterious effect on protein structure/function; Has not been previously published as pathogenic or benign to our knowledge; In silico analysis suggests this variant may impact gene splicing. In the absence of RNA/functional studies, the actual effect of this sequence change is unknown.

NM_001080453.3(INTS1):c.1726C>T (p.Arg576Cys)

Gene: INTS1 (integrator complex subunit 1; minus strand). Cytogenetic location: 7p22.3.
Variant type: single nucleotide variant.
Coding change: c.1726C>T on transcript NM_001080453.3 (MANE Select); coding-DNA position 1726, C replaced by T.
Protein change: p.Arg576Cys; replaces arginine 576 with cysteine.
Molecular consequence: missense variant.
Genome position (GRCh38, 1-based): chr7:1,495,539, G>A on the plus strand (C>T on the coding strand, the complement: INTS1 is on the minus strand). VCF-style: chr7-1495539-G-A. GRCh37 (hg19) VCF-style: chr7-1535175-G-A.
Other names: short protein forms R576C.
Identifiers: ClinVar variation 2429627 (VCV002429627.2), dbSNP rs774102668, ClinGen allele CA4120164.
Genomic context (GRCh38, chr7:1,495,539, plus strand): 5'-CAGTGTGGAGCCACCAGACGGCATCCCGCTGGATGGCGGCAATCTGGTTCTGGAATGAGC[G>A]GAGCACTTCCAGGTCTGAAACAGACACGCAGCTTAGTGGCCCATCCGAGCCATGGGCCAT-3'
Protein context (NP_001073922.2, residues 566-586): KGEKRNLEVL[Arg576Cys]SFQNQIAAIQ